The following is an entry in ClinVar:

ClinVar aggregate classification (germline): Uncertain significance. Review status: criteria provided, multiple submitters, no conflicts (2 of 4 stars). 2 submissions from 2 submitters: Uncertain significance (2). Last evaluated 2023-07-25.

Conditions:
Familial adenomatous polyposis 1 (FAP1). Also called: POLYPOSIS, ADENOMATOUS INTESTINAL; FAMILIAL ADENOMATOUS POLYPOSIS 1, ATTENUATED. Identifiers: MedGen C2713442, MONDO:0021056, OMIM 175100. Disease mechanism: loss of function.

Submissions (2):

GeneDx
Classification: Uncertain significance. Last evaluated: 2023-07-25. Review status: criteria provided, single submitter. Criteria: GeneDx Variant Classification Process June 2021. Collection method: clinical testing. Allele origin: germline. Affected: yes.
Comment: Not observed at significant frequency in large population cohorts (gnomAD); In silico analysis supports that this missense variant does not alter protein structure/function; Has not been previously published as pathogenic or benign to our knowledge

Labcorp Genetics (formerly Invitae), Labcorp
Classification: Uncertain significance for Familial adenomatous polyposis 1. Last evaluated: 2023-01-12. Review status: criteria provided, single submitter. Criteria: Invitae Variant Classification Sherloc (09022015). Collection method: clinical testing. Allele origin: germline.
Comment: This variant has not been reported in the literature in individuals affected with APC-related conditions. In summary, the available evidence is currently insufficient to determine the role of this variant in disease. Therefore, it has been classified as a Variant of Uncertain Significance. Advanced modeling of protein sequence and biophysical properties (such as structural, functional, and spatial information, amino acid conservation, physicochemical variation, residue mobility, and thermodynamic stability) performed at Invitae indicates that this missense variant is not expected to disrupt APC protein function. ClinVar contains an entry for this variant (Variation ID: 951674). This variant is not present in population databases (gnomAD no frequency). This sequence change replaces isoleucine, which is neutral and non-polar, with valine, which is neutral and non-polar, at codon 858 of the APC protein (p.Ile858Val).

NM_000038.6(APC):c.2572A>G (p.Ile858Val)

Gene: APC (APC regulator of Wnt signaling pathway; plus strand). Cytogenetic location: 5q22.2.
Variant type: single nucleotide variant.
Coding change: c.2572A>G on transcript NM_000038.6 (MANE Select); coding-DNA position 2572, A replaced by G.
Protein change: p.Ile858Val; replaces isoleucine 858 with valine.
Molecular consequence: missense variant.
Genome position (GRCh38, 1-based): chr5:112,838,166, A>G. VCF-style: chr5-112838166-A-G. GRCh37 (hg19) VCF-style: chr5-112173863-A-G.
Other names: c.2572A>G, p.Ile858Val (NM_001127510.3, NM_001354895.2); c.2518A>G, p.Ile840Val (NM_001127511.3); c.2626A>G, p.Ile876Val (NM_001354896.2); c.2602A>G, p.Ile868Val (NM_001354897.2); c.2497A>G, p.Ile833Val (NM_001354898.2); c.2488A>G, p.Ile830Val (NM_001354899.2); c.2449A>G, p.Ile817Val (NM_001354900.2); c.2395A>G, p.Ile799Val (NM_001354901.2); and 5 more; short protein forms I732V, I757V, I799V, I830V, I833V, I698V, I767V, I840V.
Identifiers: ClinVar variation 951674 (VCV000951674.50), dbSNP rs1765214797, ClinGen allele CA16026967.